The following is an entry in ClinVar:

NC_000005.10:g.156050857_156057228del

Gene: SGCD (sarcoglycan delta; plus strand). Cytogenetic location: 5q33.2.
Variant type: Deletion.
Genome position: GRCh38: chr5:156,050,857-156,057,228. GRCh37 (hg19): chr5:155,477,867-155,484,238.
Identifiers: ClinVar variation 156996 (VCV000156996.3), ClinGen allele CA212133.

ClinVar aggregate classification (germline): not provided. Review status: no classification provided (0 of 4 stars). 2 submissions from 1 submitter: not provided (2).

Conditions:
Small for gestational age. Also called: Low birth weight. Identifiers: MedGen C0235991, HP:0001518.
Large for gestational age. Identifiers: MedGen C1848395, HP:0001520.

Submissions (2):

Institute of Molecular and Cell Biology, University of Tartu
No classification provided. Condition: Small for gestational age. Review status: no classification provided. Collection method: case-control. Allele origin: unknown. Affected: yes. Study: Kasak2014.
Comment: The study aimed to determine the contribution of copy number variants in the genetic etiology of normal and complicated pregnancies. The samples represented (i) maternal blood DNA drawn from healthy pregnant women during 1st or 2nd trimester and (ii) maternal and paternal blood DNA drawn at term pregnancy cases representing normal and complicated gestations (severe preeclampsia, PE; gestational diabetes, GD; small-for-gestational age newborn, SGA; large-for-gestational age newborn, LGA). We performed CNV calling based on genome-wide genotyping dataset (Illumina HumanOmniExpress-24-v1 BeadChip) by applying three algorithms, QuantiSNP, GADA (Genome Alteration Detection Algorithm) and CNstream in parallel. The acquired CNV calls were merged with HD-CNV (Hotspot Detector for Copy Number Variants) program and only the CNVs predicted by at least two programs, were considered in subsequent analysis.

Institute of Molecular and Cell Biology, University of Tartu
No classification provided. Condition: Large for gestational age. Review status: no classification provided. Collection method: case-control. Allele origin: unknown. Affected: yes. Study: Kasak2014.
Comment: the same text as in the submission from Institute of Molecular and Cell Biology, University of Tartu above.

Literature cited by the submitters: PubMed 25666259.